The following is an entry in ClinVar:

NM_001127644.2(GABRA1):c.1244G>C (p.Ser415Thr)

Gene: GABRA1 (gamma-aminobutyric acid type A receptor subunit alpha1; plus strand). Cytogenetic location: 5q34.
Variant type: single nucleotide variant.
Coding change: c.1244G>C on transcript NM_001127644.2 (MANE Select); coding-DNA position 1244, G replaced by C.
Protein change: p.Ser415Thr; replaces serine 415 with threonine.
Molecular consequence: missense variant.
Genome position (GRCh38, 1-based): chr5:161,897,295, G>C. VCF-style: chr5-161897295-G-C. GRCh37 (hg19) VCF-style: chr5-161324301-G-C.
Other names: c.1244G>C, p.Ser415Thr (NM_000806.5, NM_001127643.2, NM_001127645.2 and 1 more transcripts); short protein forms S415T.
Identifiers: ClinVar variation 946857 (VCV000946857.9), dbSNP rs752803296, ClinGen allele CA3544603.

ClinVar aggregate classification (germline): Uncertain significance (1 of 4 stars; one submission).

Conditions:
Idiopathic generalized epilepsy. Also called: Generalised epilepsy; EIG. Identifiers: MedGen C0270850, MONDO:0005579, OMIM 600669.
Epilepsy, idiopathic generalized, susceptibility to, 13. Also called: EPILEPSY, JUVENILE MYOCLONIC, SUSCEPTIBILITY TO, 5. Identifiers: Orphanet 307, Orphanet 64280, MedGen C4013473, MONDO:0012627, OMIM 611136.
Epilepsy, childhood absence 4 (ECA4). Also called: EPILEPSY, CHILDHOOD ABSENCE, SUSCEPTIBILITY TO, 4. Identifiers: Orphanet 307, MedGen C1970160.

Allele frequency attached by ClinVar (database versions not stated): gnomAD exomes below 0.00001; ExAC 0.00001.
gnomAD v4.1: 3 of 1,614,154 alleles (0.00019%); highest among the groups gnomAD compares: Non-Finnish European, 0.00025%; no homozygotes.

Submission:

Labcorp Genetics (formerly Invitae), Labcorp
Classification: Uncertain significance for Epilepsy, childhood absence 4; Epilepsy, idiopathic generalized, susceptibility to, 13; Idiopathic generalized epilepsy. Last evaluated: 2019-05-05. Review status: criteria provided, single submitter. Criteria: Invitae Variant Classification Sherloc (09022015). Collection method: clinical testing. Allele origin: germline.
Comment: This variant is present in population databases (rs752803296, ExAC 0.01%). In summary, the available evidence is currently insufficient to determine the role of this variant in disease. Therefore, it has been classified as a Variant of Uncertain Significance. Algorithms developed to predict the effect of missense changes on protein structure and function are either unavailable or do not agree on the potential impact of this missense change (SIFT: "Tolerated"; PolyPhen-2: "Probably Damaging"; Align-GVGD: "Class C0"). This variant has not been reported in the literature in individuals with GABRA1-related conditions. This sequence change replaces serine with threonine at codon 415 of the GABRA1 protein (p.Ser415Thr). The serine residue is highly conserved and there is a small physicochemical difference between serine and threonine.